The following is an entry in ClinVar:

NM_001357.5(DHX9):c.1602T>C (p.Tyr534=)

Gene: DHX9 (DExH-box helicase 9; plus strand). Cytogenetic location: 1q25.3.
Variant type: single nucleotide variant.
Coding change: c.1602T>C on transcript NM_001357.5 (MANE Select); coding-DNA position 1602, T replaced by C.
Protein change: p.Tyr534=; no amino-acid change (tyrosine 534 retained).
Molecular consequence: synonymous variant. On other transcripts: non-coding transcript variant (1).
Genome position (GRCh38, 1-based): chr1:182,872,381, T>C. VCF-style: chr1-182872381-T-C. GRCh37 (hg19) VCF-style: chr1-182841516-T-C.
Identifiers: ClinVar variation 5041429 (VCV005041429.1).

ClinVar aggregate classification (germline): Likely benign (1 of 4 stars; one submission).

gnomAD v4.1: 2 of 1,614,014 alleles (0.00012%); highest among the groups gnomAD compares: Admixed American, 0.0033%; no homozygotes.

Submission:

CeGaT Center for Human Genetics Tuebingen
Classification: Likely benign. Last evaluated: 2026-09-01. Review status: criteria provided, single submitter. Criteria: CeGaT Center For Human Genetics Tuebingen Variant Classification Criteria Version 2. Collection method: clinical testing. Allele origin: germline. Affected: yes. Observed: 1 variant allele.
Comment: DHX9: BP4, BP7